The following is an entry in ClinVar:

ClinVar aggregate classification (germline): Uncertain significance (1 of 4 stars; one submission).

Submission:

Labcorp Genetics (formerly Invitae), Labcorp
Classification: Uncertain significance. Last evaluated: 2025-10-01. Review status: criteria provided, single submitter. Criteria: Invitae Variant Classification Sherloc (09022015). Collection method: clinical testing. Allele origin: germline.
Comment: This sequence change replaces alanine, which is neutral and non-polar, with valine, which is neutral and non-polar, at codon 251 of the GPR179 protein (p.Ala251Val). This variant is not present in population databases (gnomAD no frequency). This variant has not been reported in the literature in individuals affected with GPR179-related conditions. An algorithm developed to predict the effect of missense changes on protein structure and function (PolyPhen-2) suggests that this variant is likely to be disruptive. In summary, the available evidence is currently insufficient to determine the role of this variant in disease. Therefore, it has been classified as a Variant of Uncertain Significance.

NM_001004334.4(GPR179):c.752C>T (p.Ala251Val)

Gene: GPR179 (G protein-coupled receptor 179; minus strand). Cytogenetic location: 17q12.
Variant type: single nucleotide variant.
Coding change: c.752C>T on transcript NM_001004334.4 (MANE Select); coding-DNA position 752, C replaced by T.
Protein change: p.Ala251Val; replaces alanine 251 with valine.
Molecular consequence: missense variant.
Genome position (GRCh38, 1-based): chr17:38,343,038, G>A on the plus strand (C>T on the coding strand, the complement: GPR179 is on the minus strand). VCF-style: chr17-38343038-G-A. GRCh37 (hg19) VCF-style: chr17-36498921-G-A.
Other names: short protein forms A251V.
Identifiers: ClinVar variation 4728279 (VCV004728279.1).